The following is an entry in ClinVar:

ClinVar aggregate classification (germline): Uncertain significance. Review status: criteria provided, multiple submitters, no conflicts (2 of 4 stars). 2 submissions from 2 submitters: Uncertain significance (2). Last evaluated 2026-01-19.

Conditions:
Inborn genetic diseases. Identifiers: MedGen C0950123, MeSH D030342.

Allele frequency attached by ClinVar (database versions not stated): gnomAD 0.00003 and 0.00004; ExAC 0.00004; gnomAD exomes 0.00006; TOPMed 0.00006.
gnomAD v4.1: 85 of 1,613,888 alleles (0.0053%); highest among the groups gnomAD compares: Middle Eastern, 0.099%; no homozygotes.

Submissions (2):

Labcorp Genetics (formerly Invitae), Labcorp
Classification: Uncertain significance. Last evaluated: 2026-01-19. Review status: criteria provided, single submitter. Criteria: Invitae Variant Classification Sherloc (09022015). Collection method: clinical testing. Allele origin: germline.
Comment: This sequence change replaces valine, which is neutral and non-polar, with isoleucine, which is neutral and non-polar, at codon 947 of the EMC1 protein (p.Val947Ile). This variant is present in population databases (rs766662046, gnomAD 0.01%). This variant has not been reported in the literature in individuals affected with EMC1-related conditions. ClinVar contains an entry for this variant (Variation ID: 967839). Invitae Evidence Modeling of protein sequence and biophysical properties (such as structural, functional, and spatial information, amino acid conservation, physicochemical variation, residue mobility, and thermodynamic stability) indicates that this missense variant is not expected to disrupt EMC1 protein function with a negative predictive value of 80%. In summary, the available evidence is currently insufficient to determine the role of this variant in disease. Therefore, it has been classified as a Variant of Uncertain Significance.

Ambry Genetics
Classification: Uncertain significance for Inborn genetic diseases. Last evaluated: 2025-01-10. Review status: criteria provided, single submitter. Criteria: Ambry Variant Classification Scheme 2023. Collection method: clinical testing. Allele origin: germline.

NM_015047.3(EMC1):c.2839G>A (p.Val947Ile)

Genes: EMC1 (ER membrane protein complex subunit 1; minus strand), EMC1-AS1 (EMC1 antisense RNA 1; plus strand). Cytogenetic location: 1p36.13.
Variant type: single nucleotide variant.
Coding change: c.2839G>A on transcript NM_015047.3 (MANE Select); coding-DNA position 2839, G replaced by A.
Protein change: p.Val947Ile; replaces valine 947 with isoleucine.
Molecular consequence: missense variant.
Genome position (GRCh38, 1-based): chr1:19,219,446, C>T on the plus strand (G>A on the coding strand, the complement: EMC1 is on the minus strand). VCF-style: chr1-19219446-C-T. GRCh37 (hg19) VCF-style: chr1-19545940-C-T.
Other names: c.2836G>A, p.Val946Ile (NM_001271427.2, NM_001271428.2); c.2773G>A, p.Val925Ile (NM_001271429.2); c.2848G>A, p.Val950Ile (NM_001375820.1); c.2845G>A, p.Val949Ile (NM_001375821.1); c.2839G>A (NM_015047.1); short protein forms V925I, V950I, V946I, V949I, V947I.
Identifiers: ClinVar variation 967839 (VCV000967839.10), dbSNP rs766662046, ClinGen allele CA652125.
Genomic context (GRCh38, chr1:19,219,446, plus strand): 5'-TGCTGATTAACACGTAGTCATAGTCATCCTTCAGAACGTCAAACTGCTTGGATGGGTAGA[C>T]TCGAGTTTGGTAAATGTCCAAACCATAGGCCACAACCTGGAAGGCAGATGGAATAAGAAT-3'
Protein context (NP_055862.1, residues 937-957): AYGLDIYQTR[Val947Ile]YPSKQFDVLK